The following is an entry in ClinVar:

NM_012431.3(SEMA3E):c.214G>T (p.Val72Leu)

Gene: SEMA3E (semaphorin 3E; minus strand). Cytogenetic location: 7q21.11.
Variant type: single nucleotide variant.
Coding change: c.214G>T on transcript NM_012431.3 (MANE Select); coding-DNA position 214, G replaced by T.
Protein change: p.Val72Leu; replaces valine 72 with leucine.
Molecular consequence: missense variant.
Genome position (GRCh38, 1-based): chr7:83,490,176, C>A on the plus strand (G>T on the coding strand, the complement: SEMA3E is on the minus strand). VCF-style: chr7-83490176-C-A. GRCh37 (hg19) VCF-style: chr7-83119492-C-A.
Other names: c.34G>T, p.Val12Leu (NM_001178129.2); short protein forms V12L, V72L.
Identifiers: ClinVar variation 645328 (VCV000645328.11), dbSNP rs371960755, ClinGen allele CA4322424.

ClinVar aggregate classification (germline): Uncertain significance. Review status: criteria provided, multiple submitters, no conflicts (2 of 4 stars). 3 submissions from 3 submitters: Uncertain significance (3). Last evaluated 2026-09-16.

Conditions:
SEMA3E-related disorder. Also called: SEMA3E-related condition.
CHARGE syndrome (CHARGE). Also called: Coloboma, heart anomaly, choanal atresia, retardation, genital and ear anomalies; CHARGE association; Hall-Hittner syndrome; Hittner Hirsch Kreh syndrome; CHARGE ASSOCIATION--COLOBOMA, HEART ANOMALY, CHOANAL ATRESIA, RETARDATION, GENITAL AND EAR ANOMALIES. Identifiers: Orphanet 138, MedGen C0265354, MONDO:0008965.

Allele frequency attached by ClinVar (database versions not stated): TOPMed 0.00002.
gnomAD v4.1: 90 of 1,612,948 alleles (0.0056%); highest among the groups gnomAD compares: Non-Finnish European, 0.007%; no homozygotes.

Submissions (3):

PreventionGenetics, part of Exact Sciences
Classification: Uncertain significance for SEMA3E-related condition. Last evaluated: 2026-09-16. Review status: criteria provided, single submitter. Criteria: ACMG Guidelines, 2015. Collection method: clinical testing. Allele origin: germline.
Comment: The SEMA3E c.214G>T variant is predicted to result in the amino acid substitution p.Val72Leu. To our knowledge, this variant has not been reported in the literature. This variant is reported in 0.0058% of alleles in individuals of Latino descent in gnomAD. At this time, the clinical significance of this variant is uncertain due to the absence of conclusive functional and genetic evidence.

Labcorp Genetics (formerly Invitae), Labcorp
Classification: Uncertain significance for CHARGE syndrome. Last evaluated: 2025-07-09. Review status: criteria provided, single submitter. Criteria: Invitae Variant Classification Sherloc (09022015). Collection method: clinical testing. Allele origin: germline.
Comment: This sequence change replaces valine, which is neutral and non-polar, with leucine, which is neutral and non-polar, at codon 72 of the SEMA3E protein (p.Val72Leu). This variant is present in population databases (rs371960755, gnomAD 0.006%). This variant has not been reported in the literature in individuals affected with SEMA3E-related conditions. ClinVar contains an entry for this variant (Variation ID: 645328). An algorithm developed to predict the effect of missense changes on protein structure and function outputs the following: PolyPhen-2: "Benign". The leucine amino acid residue is found in multiple mammalian species, which suggests that this missense change does not adversely affect protein function. In summary, the available evidence is currently insufficient to determine the role of this variant in disease. Therefore, it has been classified as a Variant of Uncertain Significance.

Ambry Genetics
Classification: Uncertain significance. Last evaluated: 2025-05-18. Review status: criteria provided, single submitter. Criteria: Ambry Variant Classification Scheme 2023. Collection method: clinical testing. Allele origin: germline.